The following is an entry in ClinVar:

ClinVar aggregate classification (germline): Uncertain significance (1 of 4 stars; one submission).

Submission:

Labcorp Genetics (formerly Invitae), Labcorp
Classification: Uncertain significance. Last evaluated: 2023-02-24. Review status: criteria provided, single submitter. Criteria: Invitae Variant Classification Sherloc (09022015). Collection method: clinical testing. Allele origin: germline.
Comment: In summary, the available evidence is currently insufficient to determine the role of this variant in disease. Therefore, it has been classified as a Variant of Uncertain Significance. Experimental studies and prediction algorithms are not available or were not evaluated, and the functional significance of this variant is currently unknown. This variant has not been reported in the literature in individuals affected with ERBB2-related conditions. This variant is not present in population databases (gnomAD no frequency). This sequence change replaces alanine, which is neutral and non-polar, with glycine, which is neutral and non-polar, at codon 21 of the ERBB2 protein (p.Ala21Gly).

NM_004448.4(ERBB2):c.62C>G (p.Ala21Gly)

Gene: ERBB2 (erb-b2 receptor tyrosine kinase 2; plus strand). Cytogenetic location: 17q12.
Variant type: single nucleotide variant.
Coding change: c.62C>G on transcript NM_004448.4 (MANE Select); coding-DNA position 62, C replaced by G.
Protein change: p.Ala21Gly; replaces alanine 21 with glycine.
Molecular consequence: missense variant. On other transcripts: 5 prime UTR variant (1), non-coding transcript variant (1), intron variant (4).
Genome position (GRCh38, 1-based): chr17:39,700,300, C>G. VCF-style: chr17-39700300-C-G. GRCh37 (hg19) VCF-style: chr17-37856553-C-G.
Other names: c.62C>G, p.Ala21Gly (NM_001289937.2, NM_001382784.1, NM_001382785.1 and 21 more transcripts); c.-154C>G (NM_001382783.1); c.-18+5119C>G (NM_001382782.1, NM_001005862.3, NM_001289938.2); c.28+713C>G (NM_001289936.2); short protein forms A21G.
Identifiers: ClinVar variation 2988754 (VCV002988754.3), dbSNP rs1004896536, ClinGen allele CA399266765.